The following is an entry in ClinVar:

NM_172362.3(KCNH1):c.2927C>T (p.Pro976Leu)

Gene: KCNH1 (potassium voltage-gated channel subfamily H member 1; minus strand). Cytogenetic location: 1q32.2.
Variant type: single nucleotide variant.
Coding change: c.2927C>T on transcript NM_172362.3 (MANE Select); coding-DNA position 2927, C replaced by T.
Protein change: p.Pro976Leu; replaces proline 976 with leucine.
Molecular consequence: missense variant.
Genome position (GRCh38, 1-based): chr1:210,683,324, G>A on the plus strand (C>T on the coding strand, the complement: KCNH1 is on the minus strand). VCF-style: chr1-210683324-G-A. GRCh37 (hg19) VCF-style: chr1-210856666-G-A.
Other names: c.2846C>T, p.Pro949Leu (NM_002238.4); short protein forms P976L, P949L.
Identifiers: ClinVar variation 2877090 (VCV002877090.3), dbSNP rs760777055, ClinGen allele CA1379561.
Genomic context (GRCh38, chr1:210,683,324, plus strand): 5'-TTTTTTAAATAGACCTCTCAGCTGGCTCCAAAAATGTCTCTCTCTGATTCTGGGGACTGT[G>A]GCCTCGATATTTCAAACAACTCCTGAGGAGACTGAGAGGATCTTCTGGAAGTTAATATCC-3'
Protein context (NP_758872.1, residues 966-986): SPQELFEISR[Pro976Leu]QSPESERDIF

ClinVar aggregate classification (germline): Uncertain significance (1 of 4 stars; one submission).

Allele frequency attached by ClinVar (database versions not stated): ExAC 0.00002; gnomAD exomes 0.00004.
gnomAD v4.1: 21 of 1,614,038 alleles (0.0013%); highest among the groups gnomAD compares: South Asian, 0.021%; no homozygotes.

Submission:

Labcorp Genetics (formerly Invitae), Labcorp
Classification: Uncertain significance. Last evaluated: 2023-01-15. Review status: criteria provided, single submitter. Criteria: Invitae Variant Classification Sherloc (09022015). Collection method: clinical testing. Allele origin: germline.
Comment: This sequence change replaces proline, which is neutral and non-polar, with leucine, which is neutral and non-polar, at codon 976 of the KCNH1 protein (p.Pro976Leu). This variant is present in population databases (rs760777055, gnomAD 0.02%). In summary, the available evidence is currently insufficient to determine the role of this variant in disease. Therefore, it has been classified as a Variant of Uncertain Significance. Advanced modeling of protein sequence and biophysical properties (such as structural, functional, and spatial information, amino acid conservation, physicochemical variation, residue mobility, and thermodynamic stability) has been performed at Invitae for this missense variant, however the output from this modeling did not meet the statistical confidence thresholds required to predict the impact of this variant on KCNH1 protein function. This variant has not been reported in the literature in individuals affected with KCNH1-related conditions.